The following is an entry in ClinVar:

NM_014795.4(ZEB2):c.28C>T (p.Pro10Ser)

Gene: ZEB2 (zinc finger E-box binding homeobox 2; minus strand). Cytogenetic location: 2q22.3.
Variant type: single nucleotide variant.
Coding change: c.28C>T on transcript NM_014795.4 (MANE Select); coding-DNA position 28, C replaced by T.
Protein change: p.Pro10Ser; replaces proline 10 with serine.
Molecular consequence: missense variant. On other transcripts: non-coding transcript variant (1).
Genome position (GRCh38, 1-based): chr2:144,517,323, G>A on the plus strand (C>T on the coding strand, the complement: ZEB2 is on the minus strand). VCF-style: chr2-144517323-G-A. GRCh37 (hg19) VCF-style: chr2-145274890-G-A.
Other names: c.28C>T, p.Pro10Ser (NM_001171653.2); short protein forms P10S.
Identifiers: ClinVar variation 1367043 (VCV001367043.8), dbSNP rs1451219938, ClinGen allele CA348858394.

ClinVar aggregate classification (germline): Conflicting classifications of pathogenicity. Review status: criteria provided, conflicting classifications (1 of 4 stars). 2 submissions from 2 submitters: Uncertain significance (1); Benign (1). Last evaluated 2023-12-11.

Conditions:
Inborn genetic diseases. Identifiers: MedGen C0950123, MeSH D030342.
Mowat-Wilson syndrome (MOWS). Also called: Classic Mowat-Wilson Syndrome. Identifiers: Orphanet 2152, MedGen C1856113, MONDO:0009341, OMIM 235730.

Allele frequency attached by ClinVar (database versions not stated): gnomAD exomes 0.00001.
gnomAD v4.1: 2 of 1,613,572 alleles (0.00012%); highest among the groups gnomAD compares: Admixed American, 0.0033%; no homozygotes.

Submissions (2):

Labcorp Genetics (formerly Invitae), Labcorp
Classification: Benign for Mowat-Wilson syndrome. Last evaluated: 2023-12-11. Review status: criteria provided, single submitter. Criteria: Invitae Variant Classification Sherloc (09022015). Collection method: clinical testing. Allele origin: germline.

Ambry Genetics
Classification: Uncertain significance for Inborn genetic diseases. Last evaluated: 2020-06-22. Review status: criteria provided, single submitter. Criteria: Ambry Variant Classification Scheme 2023. Collection method: clinical testing. Allele origin: germline.
Comment: The p.P10S variant (also known as c.28C>T), located in coding exon 1 of the ZEB2 gene, results from a C to T substitution at nucleotide position 28. The proline at codon 10 is replaced by serine, an amino acid with similar properties. This alteration has been reported in a congenital left sided heart lesion cohort (Li AH et al. Genome Med, 2017 10;9:95). This amino acid position is highly conserved in available vertebrate species. In addition, the in silico prediction for this alteration is inconclusive. Since supporting evidence is limited at this time, the clinical significance of this alteration remains unclear.

Literature cited by the submitters: PubMed 29089047 (cited by Ambry Genetics).